The following is an entry in ClinVar:

ClinVar aggregate classification (germline): Conflicting classifications of pathogenicity. Review status: criteria provided, conflicting classifications (1 of 4 stars). 4 submissions from 4 submitters: Uncertain significance (3); Benign (1). Last evaluated 2025-05-05.

Conditions:
Hereditary nonpolyposis colorectal neoplasms. Identifiers: MedGen C0009405, MeSH D003123.
Hereditary cancer-predisposing syndrome. Also called: Tumor predisposition; Neoplastic Syndromes, Hereditary; Hereditary Cancer Syndrome; Hereditary neoplastic syndrome. Identifiers: Orphanet 140162, MedGen C0027672, MeSH D009386, MONDO:0015356.
Lynch syndrome. Identifiers: Orphanet 144, MedGen C4552100, MONDO:0005835. Disease mechanism: loss of function.

Allele frequency attached by ClinVar (database versions not stated): gnomAD exomes below 0.00001; gnomAD 0.00001; TOPMed 0.00001; ExAC 0.00002; ESP Exome Variant Server 0.00008.
gnomAD v4.1: 3 of 1,613,926 alleles (0.00019%); highest among the groups gnomAD compares: African/African-American, 0.004%; no homozygotes.

Submissions (4):

Labcorp Genetics (formerly Invitae), Labcorp
Classification: Benign for Hereditary nonpolyposis colorectal neoplasms. Last evaluated: 2025-05-05. Review status: criteria provided, single submitter. Criteria: Invitae Variant Classification Sherloc (09022015). Collection method: clinical testing. Allele origin: germline.

All of Us Research Program, National Institutes of Health
Classification: Uncertain significance for Lynch syndrome. Last evaluated: 2024-07-29. Review status: criteria provided, single submitter. Criteria: ACMG Guidelines, 2015. Collection method: clinical testing. Allele origin: germline. Inheritance: Autosomal dominant inheritance. Observed: 1 variant allele, 1 heterozygote.
Comment: This missense variant replaces alanine with glycine at codon 704 of the MSH6 protein. Computational prediction suggests that this variant may not impact protein structure and function (internally defined REVEL score threshold <= 0.5, PMID: 27666373). To our knowledge, functional studies have not been reported for this variant. This variant has not been reported in individuals affected with hereditary cancer in the literature. This variant has not been identified in the general population by the Genome Aggregation Database (gnomAD). The available evidence is insufficient to determine the role of this variant in disease conclusively. Therefore, this variant is classified as a Variant of Uncertain Significance.

This study involves interpretation of variants in research participants for the purpose of population health screening. Participant phenotype was not available at the time of variant classification. Additional details can be found in publication PMID: 35346344, PMCID: PMC8962531

Color Diagnostics, LLC DBA Color Health
Classification: Uncertain significance for Hereditary cancer-predisposing syndrome. Last evaluated: 2024-03-06. Review status: criteria provided, single submitter. Criteria: ACMG Guidelines, 2015. Collection method: clinical testing. Allele origin: germline.
Comment: This missense variant replaces alanine with glycine at codon 704 of the MSH6 protein. Computational prediction suggests that this variant may not impact protein structure and function (internally defined REVEL score threshold <= 0.5, PMID: 27666373). To our knowledge, functional studies have not been reported for this variant. This variant has not been reported in individuals affected with hereditary cancer in the literature. This variant has not been identified in the general population by the Genome Aggregation Database (gnomAD). The available evidence is insufficient to determine the role of this variant in disease conclusively. Therefore, this variant is classified as a Variant of Uncertain Significance.

Ambry Genetics
Classification: Uncertain significance for Hereditary cancer-predisposing syndrome. Last evaluated: 2023-11-17. Review status: criteria provided, single submitter. Criteria: Ambry Variant Classification Scheme 2023. Collection method: clinical testing. Allele origin: germline.
Comment: The p.A704G variant (also known as c.2111C>G), located in coding exon 4 of the MSH6 gene, results from a C to G substitution at nucleotide position 2111. The alanine at codon 704 is replaced by glycine, an amino acid with similar properties. This amino acid position is well conserved in available vertebrate species. In addition, this alteration is predicted to be tolerated by in silico analysis. Since supporting evidence is limited at this time, the clinical significance of this alteration remains unclear.

NM_000179.3(MSH6):c.2111C>G (p.Ala704Gly)

Gene: MSH6 (mutS homolog 6; plus strand). Cytogenetic location: 2p16.3.
Variant type: single nucleotide variant.
Coding change: c.2111C>G on transcript NM_000179.3 (MANE Select); coding-DNA position 2111, C replaced by G.
Protein change: p.Ala704Gly; replaces alanine 704 with glycine.
Molecular consequence: missense variant.
Genome position (GRCh38, 1-based): chr2:47,800,094, C>G. VCF-style: chr2-47800094-C-G. GRCh37 (hg19) VCF-style: chr2-48027233-C-G.
Other names: c.1721C>G, p.Ala574Gly (NM_001281492.2); c.1205C>G, p.Ala402Gly (NM_001281493.2, NM_001281494.2); short protein forms A402G, A574G, A704G.
Identifiers: ClinVar variation 1383214 (VCV001383214.13), dbSNP rs370237509, ClinGen allele CA068474.